The following is an entry in ClinVar:

NM_001148.6(ANK2):c.10963C>T (p.Pro3655Ser)

Gene: ANK2 (ankyrin 2; plus strand). Cytogenetic location: 4q26.
Variant type: single nucleotide variant.
Coding change: c.10963C>T on transcript NM_001148.6 (MANE Select); coding-DNA position 10963, C replaced by T.
Protein change: p.Pro3655Ser; replaces proline 3655 with serine.
Molecular consequence: missense variant.
Genome position (GRCh38, 1-based): chr4:113,365,113, C>T. VCF-style: chr4-113365113-C-T. GRCh37 (hg19) VCF-style: chr4-114286269-C-T.
Other names: c.4681C>T, p.Pro1561Ser (NM_001127493.3); c.4720C>T, p.Pro1574Ser (NM_001354225.2); c.4609C>T, p.Pro1537Ser (NM_001354228.2, NM_001354258.2); c.4687C>T, p.Pro1563Ser (NM_001354230.2); c.4750C>T, p.Pro1584Ser (NM_001354231.2, NM_001354242.2); c.4744C>T, p.Pro1582Ser (NM_001354232.2); c.4705C>T, p.Pro1569Ser (NM_001354235.2, NM_001354246.2, NM_001354265.2); c.4606C>T, p.Pro1536Ser (NM_001354236.2); and 35 more; short protein forms P1492S, P1495S, P1497S, P1499S, P1516S, P1518S, P1537S, P1548S.
Identifiers: ClinVar variation 2232065 (VCV002232065.5), dbSNP rs1399040145, ClinGen allele CA357941637.

ClinVar aggregate classification (germline): Uncertain significance. Review status: criteria provided, multiple submitters, no conflicts (2 of 4 stars). 2 submissions from 2 submitters: Uncertain significance (2). Last evaluated 2023-03-19.

Conditions:
Long QT syndrome (LQTS). Identifiers: MedGen C0023976, MeSH D008133, MONDO:0002442. Disease mechanism: loss of function. Inheritance: Various modes of inheritance.
Cardiovascular phenotype. Identifiers: MedGen CN230736.

Allele frequency attached by ClinVar (database versions not stated): gnomAD exomes below 0.00001; gnomAD 0.00001; TOPMed 0.00002.
gnomAD v4.1: 3 of 1,613,756 alleles (0.00019%); highest among the groups gnomAD compares: Admixed American, 0.005%; no homozygotes.

Submissions (2):

Labcorp Genetics (formerly Invitae), Labcorp
Classification: Uncertain significance for Long QT syndrome. Last evaluated: 2023-03-19. Review status: criteria provided, single submitter. Criteria: Invitae Variant Classification Sherloc (09022015). Collection method: clinical testing. Allele origin: germline.
Comment: This sequence change replaces proline, which is neutral and non-polar, with serine, which is neutral and polar, at codon 3655 of the ANK2 protein (p.Pro3655Ser). This variant is not present in population databases (gnomAD no frequency). This variant has not been reported in the literature in individuals affected with ANK2-related conditions. ClinVar contains an entry for this variant (Variation ID: 2232065). Advanced modeling of protein sequence and biophysical properties (such as structural, functional, and spatial information, amino acid conservation, physicochemical variation, residue mobility, and thermodynamic stability) performed at Invitae indicates that this missense variant is not expected to disrupt ANK2 protein function. In summary, the available evidence is currently insufficient to determine the role of this variant in disease. Therefore, it has been classified as a Variant of Uncertain Significance.

Ambry Genetics
Classification: Uncertain significance for Cardiovascular phenotype. Last evaluated: 2021-06-15. Review status: criteria provided, single submitter. Criteria: Ambry Variant Classification Scheme 2023. Collection method: clinical testing. Allele origin: germline.